The following is an entry in ClinVar:

NM_003172.4(SURF1):c.855A>G (p.Thr285=)

Gene: SURF1 (SURF1 cytochrome c oxidase assembly factor; minus strand). Cytogenetic location: 9q34.2.
Variant type: single nucleotide variant.
Coding change: c.855A>G on transcript NM_003172.4 (MANE Select); coding-DNA position 855, A replaced by G.
Protein change: p.Thr285=; no amino-acid change (threonine 285 retained).
Molecular consequence: synonymous variant.
Genome position (GRCh38, 1-based): chr9:133,351,961, T>C on the plus strand (A>G on the coding strand, the complement: SURF1 is on the minus strand). VCF-style: chr9-133351961-T-C. GRCh37 (hg19) VCF-style: chr9-136218816-T-C.
Other names: c.528A>G, p.Thr176= (NM_001280787.1).
Identifiers: ClinVar variation 761945 (VCV000761945.12), dbSNP rs956430151, ClinGen allele CA200831924.

ClinVar aggregate classification (germline): Likely benign. Review status: criteria provided, single submitter (1 of 4 stars). 2 submissions from 2 submitters: Likely benign (1). 1 of the submissions does not count toward it. Last evaluated 2024-11-09.

Conditions:
Leigh syndrome (NULS). Also called: Leigh's syndrome; Leigh Disease; Leigh Syndrome (mtDNA deletion); Subacute necrotizing encephalopathy; Necrotizing encephalopathy infantile subacute of Leigh; LEIGH SYNDROME, NUCLEAR. Identifiers: Orphanet 506, MedGen C2931891, MONDO:0009723, OMIM 256000.
SURF1-related disorder. Also called: SURF1-related condition.

Allele frequency attached by ClinVar (database versions not stated): gnomAD exomes 0.00003.
gnomAD v4.1: 41 of 1,613,788 alleles (0.0025%); highest among the groups gnomAD compares: Non-Finnish European, 0.0034%; no homozygotes.

Submissions (2):

Labcorp Genetics (formerly Invitae), Labcorp
Classification: Likely benign for Leigh syndrome. Last evaluated: 2024-11-09. Review status: criteria provided, single submitter. Criteria: Invitae Variant Classification Sherloc (09022015). Collection method: clinical testing. Allele origin: germline.

PreventionGenetics, part of Exact Sciences
Classification: Likely benign for SURF1-related condition. Last evaluated: 2020-04-24. Review status: no assertion criteria provided. Collection method: clinical testing. Allele origin: germline. Not counted in ClinVar's aggregate classification.
Comment: This variant is classified as likely benign based on ACMG/AMP sequence variant interpretation guidelines (Richards et al. 2015 PMID: 25741868, with internal and published modifications).